The following is an entry in ClinVar:

ClinVar aggregate classification (germline): Uncertain significance. Review status: criteria provided, single submitter (1 of 4 stars). 2 submissions from 2 submitters: Uncertain significance (1). 1 of the submissions does not count toward it. Last evaluated 2023-04-28.

Conditions:
Autosomal dominant centronuclear myopathy. Also called: MYOTUBULAR MYOPATHY, AUTOSOMAL DOMINANT; Myopathy, centronuclear, 3. Identifiers: Orphanet 169189, MedGen C4551952, MeSH D020914, MONDO:0008048, OMIM 160150.

Allele frequency attached by ClinVar (database versions not stated): gnomAD 0.00001; TOPMed 0.00001; ExAC 0.00002.

Submissions (2):

Labcorp Genetics (formerly Invitae), Labcorp
Classification: Uncertain significance. Last evaluated: 2023-04-28. Review status: criteria provided, single submitter. Criteria: Invitae Variant Classification Sherloc (09022015). Collection method: clinical testing. Allele origin: germline.
Comment: An algorithm developed to predict the effect of missense changes on protein structure and function (PolyPhen-2) suggests that this variant is likely to be disruptive. In summary, the available evidence is currently insufficient to determine the role of this variant in disease. Therefore, it has been classified as a Variant of Uncertain Significance. This variant has not been reported in the literature in individuals affected with MTMR14-related conditions. This variant is present in population databases (rs749252108, gnomAD 0.003%). This sequence change replaces glycine, which is neutral and non-polar, with arginine, which is basic and polar, at codon 518 of the MTMR14 protein (p.Gly518Arg).

Clinical Genetics Laboratory, University Hospital Schleswig-Holstein
Classification: Uncertain significance for Autosomal dominant centronuclear myopathy. Last evaluated: 2022-09-01. Review status: no assertion criteria provided. Collection method: clinical testing. Allele origin: germline. Affected: yes. Not counted in ClinVar's aggregate classification.

NM_001077525.3(MTMR14):c.1888G>A (p.Gly630Arg)

Gene: MTMR14 (myotubularin related protein 14; plus strand). Cytogenetic location: 3p25.3.
Variant type: single nucleotide variant.
Coding change: c.1888G>A on transcript NM_001077525.3 (MANE Select); coding-DNA position 1888, G replaced by A.
Protein change: p.Gly630Arg; replaces glycine 630 with arginine.
Molecular consequence: missense variant. On other transcripts: non-coding transcript variant (9).
Genome position (GRCh38, 1-based): chr3:9,701,908, G>A. VCF-style: chr3-9701908-G-A. GRCh37 (hg19) VCF-style: chr3-9743592-G-A.
Other names: c.1732G>A, p.Gly578Arg (NM_001077526.3); c.1957G>A, p.Gly653Arg (NM_001400518.1); c.1885G>A, p.Gly629Arg (NM_001400519.1); c.1813G>A, p.Gly605Arg (NM_001400520.1); c.1801G>A, p.Gly601Arg (NM_001400521.1); c.1729G>A, p.Gly577Arg (NM_001400522.1); c.1657G>A, p.Gly553Arg (NM_001400523.1); c.1642G>A, p.Gly548Arg (NM_001400524.1); and 19 more; short protein forms G231R, G279R, G291R, G304R, G343R, G364R, G391R, G399R.
Identifiers: ClinVar variation 2661904 (VCV002661904.4), dbSNP rs749252108, ClinGen allele CA2240910.